The following is an entry in ClinVar:

NM_000069.3(CACNA1S):c.1021C>A (p.Arg341=)

Gene: CACNA1S (calcium voltage-gated channel subunit alpha1 S; minus strand). Cytogenetic location: 1q32.1.
Variant type: single nucleotide variant.
Coding change: c.1021C>A on transcript NM_000069.3 (MANE Select); coding-DNA position 1021, C replaced by A.
Protein change: p.Arg341=; no amino-acid change (arginine 341 retained).
Molecular consequence: synonymous variant.
Genome position (GRCh38, 1-based): chr1:201,085,565, G>T on the plus strand (C>A on the coding strand, the complement: CACNA1S is on the minus strand). VCF-style: chr1-201085565-G-T. GRCh37 (hg19) VCF-style: chr1-201054693-G-T.
Identifiers: ClinVar variation 3035948 (VCV003035948.2), dbSNP rs1231520102, ClinGen allele CA422693481.

ClinVar aggregate classification (germline): Likely benign (0 of 4 stars; one submission).

Conditions:
CACNA1S-related disorder. Also called: CACNA1S-related condition.

Allele frequency attached by ClinVar (database versions not stated): gnomAD exomes below 0.00001; TOPMed below 0.00001; gnomAD 0.00001.
gnomAD v4.1: 3 of 1,613,496 alleles (0.00019%); highest among the groups gnomAD compares: Admixed American, 0.0033%; no homozygotes.

Submission:

PreventionGenetics, part of Exact Sciences
Classification: Likely benign for CACNA1S-related condition. Last evaluated: 2021-04-26. Review status: no assertion criteria provided. Collection method: clinical testing. Allele origin: germline.
Comment: This variant is classified as likely benign based on ACMG/AMP sequence variant interpretation guidelines (Richards et al. 2015 PMID: 25741868, with internal and published modifications).